The following is an entry in ClinVar:

NM_001164508.2(NEB):c.9751G>A (p.Ala3251Thr)

Gene: NEB (nebulin; minus strand). Cytogenetic location: 2q23.3.
Variant type: single nucleotide variant.
Coding change: c.9751G>A on transcript NM_001164508.2 (MANE Select); coding-DNA position 9751, G replaced by A.
Protein change: p.Ala3251Thr; replaces alanine 3251 with threonine.
Molecular consequence: missense variant.
Genome position (GRCh38, 1-based): chr2:151,629,619, C>T on the plus strand (G>A on the coding strand, the complement: NEB is on the minus strand). VCF-style: chr2-151629619-C-T. GRCh37 (hg19) VCF-style: chr2-152486133-C-T.
Other names: c.9751G>A, p.Ala3251Thr (NM_001164507.2, NM_001271208.2); c.9022G>A, p.Ala3008Thr (NM_004543.5); c.9022G>A (NM_004543.4); short protein forms A3251T, A3008T.
Identifiers: ClinVar variation 2097079 (VCV002097079.2), dbSNP rs2098615903, ClinGen allele CA348798284.

ClinVar aggregate classification (germline): Uncertain significance. Review status: criteria provided, multiple submitters, no conflicts (2 of 4 stars). 2 submissions from 2 submitters: Uncertain significance (2). Last evaluated 2026-08-12.

Conditions:
Inborn genetic diseases. Identifiers: MedGen C0950123, MeSH D030342.
Nemaline myopathy 2 (NEM2). Also called: Nemaline myopathy 2, autosomal recessive. Identifiers: MedGen C1850569, MONDO:0009725, OMIM 256030.

Submissions (2):

Ambry Genetics
Classification: Uncertain significance for Inborn genetic diseases. Last evaluated: 2026-08-12. Review status: criteria provided, single submitter. Criteria: Ambry Variant Classification Scheme 2023. Collection method: clinical testing. Allele origin: germline.

Labcorp Genetics (formerly Invitae), Labcorp
Classification: Uncertain significance for Nemaline myopathy 2. Last evaluated: 2022-04-18. Review status: criteria provided, single submitter. Criteria: Invitae Variant Classification Sherloc (09022015). Collection method: clinical testing. Allele origin: germline.
Comment: This sequence change replaces alanine, which is neutral and non-polar, with threonine, which is neutral and polar, at codon 3251 of the NEB protein (p.Ala3251Thr). This variant is not present in population databases (gnomAD no frequency). This variant has not been reported in the literature in individuals affected with NEB-related conditions. Algorithms developed to predict the effect of missense changes on protein structure and function are either unavailable or do not agree on the potential impact of this missense change (SIFT: "Deleterious"; PolyPhen-2: "Not Available"; Align-GVGD: "Class C0"). In summary, the available evidence is currently insufficient to determine the role of this variant in disease. Therefore, it has been classified as a Variant of Uncertain Significance.